The following is an entry in ClinVar:

ClinVar aggregate classification (germline): Uncertain significance. Review status: criteria provided, multiple submitters, no conflicts (2 of 4 stars). 2 submissions from 2 submitters: Uncertain significance (2). Last evaluated 2024-11-04.

Conditions:
Inborn genetic diseases. Identifiers: MedGen C0950123, MeSH D030342.

Allele frequency attached by ClinVar (database versions not stated): ExAC 0.00001; gnomAD 0.00001; gnomAD exomes 0.00001 and 0.00002; TOPMed 0.00005.
gnomAD v4.1: 21 of 1,612,296 alleles (0.0013%); highest among the groups gnomAD compares: Admixed American, 0.0084%; no homozygotes.

Submissions (2):

Labcorp Genetics (formerly Invitae), Labcorp
Classification: Uncertain significance. Last evaluated: 2024-11-04. Review status: criteria provided, single submitter. Criteria: Invitae Variant Classification Sherloc (09022015). Collection method: clinical testing. Allele origin: germline.
Comment: This sequence change replaces alanine, which is neutral and non-polar, with threonine, which is neutral and polar, at codon 1227 of the MPDZ protein (p.Ala1227Thr). This variant is present in population databases (rs761963304, gnomAD 0.006%). This missense change has been observed in individual(s) with clinical features of inherited retinal dystrophy (internal data). ClinVar contains an entry for this variant (Variation ID: 1514963). An algorithm developed to predict the effect of missense changes on protein structure and function (PolyPhen-2) suggests that this variant is likely to be disruptive. In summary, the available evidence is currently insufficient to determine the role of this variant in disease. Therefore, it has been classified as a Variant of Uncertain Significance.

Ambry Genetics
Classification: Uncertain significance for Inborn genetic diseases. Last evaluated: 2024-08-06. Review status: criteria provided, single submitter. Criteria: Ambry Variant Classification Scheme 2023. Collection method: clinical testing. Allele origin: germline.

NM_001378778.1(MPDZ):c.3679G>A (p.Ala1227Thr)

Gene: MPDZ (multiple PDZ domain crumbs cell polarity complex component; minus strand). Cytogenetic location: 9p23.
Variant type: single nucleotide variant.
Coding change: c.3679G>A on transcript NM_001378778.1 (MANE Select); coding-DNA position 3679, G replaced by A.
Protein change: p.Ala1227Thr; replaces alanine 1227 with threonine.
Molecular consequence: missense variant. On other transcripts: intron variant (8).
Genome position (GRCh38, 1-based): chr9:13,147,610, C>T on the plus strand (G>A on the coding strand, the complement: MPDZ is on the minus strand). VCF-style: chr9-13147610-C-T. GRCh37 (hg19) VCF-style: chr9-13147609-C-T.
Other names: c.3679G>A, p.Ala1227Thr (NM_001261406.2, NM_001261407.2, NM_001330637.2 and 6 more transcripts); c.3630+2901G>A (NM_001375425.1, NM_001375420.1, NM_001375423.1 and 4 more transcripts); c.3432+2901G>A (NM_001375427.1); c.3679G>A (NM_003829.3); short protein forms A1227T.
Identifiers: ClinVar variation 1514963 (VCV001514963.6), dbSNP rs761963304, ClinGen allele CA4987026.